The following is an entry in ClinVar:

NM_001370348.2(PHF3):c.443A>G (p.Lys148Arg)

Gene: PHF3 (PHD finger protein 3; plus strand). Cytogenetic location: 6q12.
Variant type: single nucleotide variant.
Coding change: c.443A>G on transcript NM_001370348.2 (MANE Select); coding-DNA position 443, A replaced by G.
Protein change: p.Lys148Arg; replaces lysine 148 with arginine.
Molecular consequence: missense variant. On other transcripts: intron variant (1).
Genome position (GRCh38, 1-based): chr6:63,684,165, A>G. VCF-style: chr6-63684165-A-G. GRCh37 (hg19) VCF-style: chr6-64394066-A-G.
Other names: c.179A>G, p.Lys60Arg (NM_001290259.2, NM_001370349.2); c.443A>G, p.Lys148Arg (NM_001290260.2, NM_015153.4); c.-5+4004A>G (NM_001370350.2); short protein forms K148R, K60R.
Identifiers: ClinVar variation 781871 (VCV000781871.10), dbSNP rs41271581, ClinGen allele CA3875509.
Genomic context (GRCh38, chr6:63,684,165, plus strand): 5'-ATTTATTTTTTCCCCCTGTGATAGAACAAGTAAGAAGTTTGCGACAGAGCACTATTGCCA[A>G]GCGTTCAAATGCAGCACCATTAAGTAACACAAAAAAAGCATCTGGGAAGACTGTATCTAC-3'
Protein context (NP_001357277.1, residues 138-158): VRSLRQSTIA[Lys148Arg]RSNAAPLSNT

ClinVar aggregate classification (germline): Benign. Review status: criteria provided, multiple submitters, no conflicts (2 of 4 stars). 2 submissions from 2 submitters: Benign (2). Last evaluated 2026-07-01.

Allele frequency attached by ClinVar (database versions not stated): gnomAD 0.00878 and 0.00849; ExAC 0.00940; gnomAD exomes 0.00951 and 0.00859; 1000 Genomes Project 0.00319; 1000 Genomes Project 30x 0.00344; TOPMed 0.00538; ESP Exome Variant Server 0.00669.

Submissions (2):

CeGaT Center for Human Genetics Tuebingen
Classification: Benign. Last evaluated: 2026-07-01. Review status: criteria provided, single submitter. Criteria: CeGaT Center For Human Genetics Tuebingen Variant Classification Criteria Version 2. Collection method: clinical testing. Allele origin: germline. Affected: yes. Observed: 8 variant alleles.
Comment: PHF3: BS1, BS2

Labcorp Genetics (formerly Invitae), Labcorp
Classification: Benign. Last evaluated: 2018-06-08. Review status: criteria provided, single submitter. Criteria: Invitae Variant Classification Sherloc (09022015). Collection method: clinical testing. Allele origin: germline.